The following is an entry in ClinVar:

ClinVar aggregate classification (germline): Uncertain significance (1 of 4 stars; one submission).

Allele frequency attached by ClinVar (database versions not stated): gnomAD exomes 0.00001 and 0.00002; ExAC 0.00003; gnomAD 0.00006 and 0.00007; ESP Exome Variant Server 0.00008.
gnomAD v4.1: 16 of 1,607,738 alleles (0.001%); highest among the groups gnomAD compares: African/African-American, 0.016%; no homozygotes.

Submission:

Labcorp Genetics (formerly Invitae), Labcorp
Classification: Uncertain significance. Last evaluated: 2021-08-13. Review status: criteria provided, single submitter. Criteria: Invitae Variant Classification Sherloc (09022015). Collection method: clinical testing. Allele origin: germline.
Comment: This sequence change falls in intron 1 of the PPIB gene. It does not directly change the encoded amino acid sequence of the PPIB protein. This variant is present in population databases (rs373637331, ExAC 0.03%). This variant has not been reported in the literature in individuals affected with PPIB-related conditions. Algorithms developed to predict the effect of sequence changes on RNA splicing suggest that this variant may create or strengthen a splice site. In summary, the available evidence is currently insufficient to determine the role of this variant in disease. Therefore, it has been classified as a Variant of Uncertain Significance.

NM_000942.5(PPIB):c.135+19C>T

Gene: PPIB (peptidylprolyl isomerase B; minus strand). Cytogenetic location: 15q22.31.
Variant type: single nucleotide variant.
Coding change: c.135+19C>T on transcript NM_000942.5 (MANE Select); 19 bases into the intron after coding-DNA position 135, C replaced by T.
Molecular consequence: intron variant.
Genome position (GRCh38, 1-based): chr15:64,162,833, G>A on the plus strand (C>T on the coding strand, the complement: PPIB is on the minus strand). VCF-style: chr15-64162833-G-A. GRCh37 (hg19) VCF-style: chr15-64455032-G-A.
Identifiers: ClinVar variation 1466604 (VCV001466604.5), dbSNP rs373637331, ClinGen allele CA7608607.
Genomic context (GRCh38, chr15:64,162,833, plus strand): 5'-GGAGGGGCTGAGCCAAGGCCAAGCCAAGGCCGCCCGGGCCCGAGCTCCGGCACCGTAAAT[G>A]CCGCGGACTCCACCGGACCTTGACGGTGACTTTGGGCCCCTTCTTCTTCTCATCGGCCGC-3'